The following is an entry in ClinVar:

ClinVar aggregate classification (germline): Uncertain significance. Review status: criteria provided, multiple submitters, no conflicts (2 of 4 stars). 2 submissions from 2 submitters: Uncertain significance (2). Last evaluated 2024-10-16.

Conditions:
Creatine transporter deficiency (CCDS1). Also called: Mental retardation , X-linked with seizures, short stature and midface hypoplasia; Mental retardation , X-linked, with creatine transport deficiency; X-linked creatine transporter deficiency; X-linked creatine deficiency syndrome; SLC6A8-Related Creatine Transporter Deficiency; CREATINE TRANSPORTER DEFECT. Identifiers: Orphanet 52503, MedGen C1845862, MONDO:0010305, OMIM 300352.

Allele frequency attached by ClinVar (database versions not stated): TOPMed below 0.00001; ExAC 0.00002; gnomAD exomes 0.00002.

Submissions (2):

Labcorp Genetics (formerly Invitae), Labcorp
Classification: Uncertain significance for Creatine transporter deficiency. Last evaluated: 2024-10-16. Review status: criteria provided, single submitter. Criteria: Invitae Variant Classification Sherloc (09022015). Collection method: clinical testing. Allele origin: germline.
Comment: This sequence change replaces valine, which is neutral and non-polar, with isoleucine, which is neutral and non-polar, at codon 254 of the SLC6A8 protein (p.Val254Ile). The frequency data for this variant in the population databases is considered unreliable, as metrics indicate poor data quality at this position in the gnomAD database. This variant has not been reported in the literature in individuals affected with SLC6A8-related conditions. ClinVar contains an entry for this variant (Variation ID: 1328119). Invitae Evidence Modeling of protein sequence and biophysical properties (such as structural, functional, and spatial information, amino acid conservation, physicochemical variation, residue mobility, and thermodynamic stability) indicates that this missense variant is not expected to disrupt SLC6A8 protein function with a negative predictive value of 95%. In summary, the available evidence is currently insufficient to determine the role of this variant in disease. Therefore, it has been classified as a Variant of Uncertain Significance.

Illumina Laboratory Services, Illumina
Classification: Uncertain significance for Creatine transporter deficiency. Last evaluated: 2021-09-03. Review status: criteria provided, single submitter. Criteria: ICSLVariantClassificationCriteria RUGD 01 April 2020. Collection method: clinical testing. Allele origin: unknown.
Comment: The SLC6A8 c.760G>A (p.Val254Ile) variant is a missense variant. A literature search was performed for the gene, cDNA change, and amino acid change. No publications were found based on this search. This variant is found at a frequency of 0.000128 in the Latino/Admixed American population of the Genome Aggregation Database (version 2.1.1) in a region of good sequence coverage. Based on the available evidence, the p.Val254Ile variant is classified as a variant of uncertain significance for SLC6A8-related creatine transporter deficiency.

NM_005629.4(SLC6A8):c.760G>A (p.Val254Ile)

Gene: SLC6A8 (solute carrier family 6 member 8; plus strand). Cytogenetic location: Xq28.
Variant type: single nucleotide variant.
Coding change: c.760G>A on transcript NM_005629.4 (MANE Select); coding-DNA position 760, G replaced by A.
Protein change: p.Val254Ile; replaces valine 254 with isoleucine.
Molecular consequence: missense variant.
Genome position (GRCh38, 1-based): chrX:153,692,090, G>A. VCF-style: chrX-153692090-G-A. GRCh37 (hg19) VCF-style: chrX-152957545-G-A.
Other names: c.760G>A, p.Val254Ile (NM_001142805.2); c.415G>A, p.Val139Ile (NM_001142806.1); short protein forms V139I, V254I.
Identifiers: ClinVar variation 1328119 (VCV001328119.10), dbSNP rs782287359, ClinGen allele CA10549239.